The following is an entry in ClinVar:

NM_001035.3(RYR2):c.10747A>C (p.Lys3583Gln)

Gene: RYR2 (ryanodine receptor 2; plus strand). Cytogenetic location: 1q43.
Variant type: single nucleotide variant.
Coding change: c.10747A>C on transcript NM_001035.3 (MANE Select); coding-DNA position 10747, A replaced by C.
Protein change: p.Lys3583Gln; replaces lysine 3583 with glutamine.
Molecular consequence: missense variant.
Genome position (GRCh38, 1-based): chr1:237,727,108, A>C. VCF-style: chr1-237727108-A-C. GRCh37 (hg19) VCF-style: chr1-237890408-A-C.
Other names: short protein forms K3583Q.
Identifiers: ClinVar variation 4282032 (VCV004282032.1).

ClinVar aggregate classification (germline): Uncertain significance (1 of 4 stars; one submission).

gnomAD v4.1: 1 of 1,591,124 alleles (0.000063%); highest among the groups gnomAD compares: Non-Finnish European, 0.000086%; no homozygotes.

Submission:

GeneDx
Classification: Uncertain significance. Last evaluated: 2025-04-11. Review status: criteria provided, single submitter. Criteria: GeneDx Variant Classification Process June 2021. Collection method: clinical testing. Allele origin: germline. Affected: yes.
Comment: Not observed at significant frequency in large population cohorts (gnomAD); In silico analysis supports that this missense variant has a deleterious effect on protein structure/function; Has not been previously published as pathogenic or benign to our knowledge; Not located in one of the three hot-spot regions of the RYR2 gene, where the majority of pathogenic missense variants occur (PMID: 19926015); This variant is associated with the following publications: (PMID: 19926015)